The following is an entry in ClinVar:

ClinVar aggregate classification (germline): Likely pathogenic (1 of 4 stars; one submission).

Conditions:
Dilated cardiomyopathy 1G (CMD1G). Identifiers: Orphanet 154, MedGen C1858763, MONDO:0011400, OMIM 604145.

Submission:

Juno Genomics, Hangzhou Juno Genomics, Inc
Classification: Likely pathogenic for Dilated cardiomyopathy 1G. Review status: criteria provided, single submitter. Criteria: ACMG Guidelines, 2015. Collection method: clinical testing. Allele origin: germline.
Comment: Absent from controls (or at extremely low frequency if recessive) in Genome Aggregation Database.;Null variant in a gene where loss of function (LOF) is a known mechanism of disease.

NM_001267550.2(TTN):c.67885del (p.Ala22629fs)

Genes: TTN (titin; minus strand), TTN-AS1 (TTN antisense RNA 1; plus strand), LOC126806423 (CDK7 strongly-dependent group 2 enhancer GRCh37_chr2:179443309-179444508; plus strand). Cytogenetic location: 2q31.2.
Variant type: Deletion.
Coding change: c.67885del on transcript NM_001267550.2 (MANE Select); coding-DNA position 67885, one base deleted (G; older notation c.67885delG).
Protein change: p.Ala22629fs; shifts the reading frame from alanine 22629.
Molecular consequence: frameshift variant.
Genome position (GRCh38, 1-based): chr2:178,579,145, C deleted on the plus strand (G on the coding strand, the reverse complement: TTN is on the minus strand). VCF-style (leftmost placement, unchanged base first): chr2-178579144-GC-G. GRCh37 (hg19) VCF-style: chr2-179443871-GC-G.
Other names: c.62962del, p.Ala20988fs (NM_001256850.1); c.40690del, p.Ala13564fs (NM_003319.4); c.60181del, p.Ala20061fs (NM_133378.4); c.41065del, p.Ala13689fs (NM_133432.3); c.41266del, p.Ala13756fs (NM_133437.4); short protein forms A13564fs, A13689fs, A13756fs, A20061fs, A20988fs, A22629fs.
Identifiers: ClinVar variation 4531294 (VCV004531294.2).
Genomic context (GRCh38, chr2:178,579,144, plus strand): 5'-CCAGTGGGGATGCCAGGCTTGCCAACAACCTTTATGGAGATAGTTCCTTCCTTGGTGCCA[GC>G]AACATTCTTAAGTGTGATTGTGTATTTTCCAGCATCAGATTTTTGGCAATCGTACACTAT-3'